The following is an entry in ClinVar:

ClinVar aggregate classification (germline): Benign/Likely benign. Review status: criteria provided, multiple submitters, no conflicts (2 of 4 stars). 4 submissions from 4 submitters: Benign (1); Likely benign (2). 1 of the submissions does not count toward it. Last evaluated 2025-10-01.

Conditions:
KARS1-related disorder. Also called: KARS1-related disorders.

Submissions (4):

CeGaT Center for Human Genetics Tuebingen
Classification: Likely benign. Last evaluated: 2025-10-01. Review status: criteria provided, single submitter. Criteria: CeGaT Center For Human Genetics Tuebingen Variant Classification Criteria Version 2. Collection method: clinical testing. Allele origin: germline. Affected: yes. Observed: 3 variant alleles.
Comment: KARS1: BP4, BS1

Blueprint Genetics
Classification: Likely benign. Last evaluated: 2024-10-18. Review status: criteria provided, single submitter. Criteria: ACMG Guidelines, 2015. Collection method: clinical testing. Allele origin: germline.

Labcorp Genetics (formerly Invitae), Labcorp
Classification: Benign. Last evaluated: 2017-08-08. Review status: criteria provided, single submitter. Criteria: Invitae Variant Classification Sherloc (09022015). Collection method: clinical testing. Allele origin: germline.

PreventionGenetics, part of Exact Sciences
Classification: Benign for KARS1-related condition. Last evaluated: 2024-09-09. Review status: no assertion criteria provided. Collection method: clinical testing. Allele origin: germline. Not counted in ClinVar's aggregate classification.
Comment: This variant is classified as benign based on ACMG/AMP sequence variant interpretation guidelines (Richards et al. 2015 PMID: 25741868, with internal and published modifications).

NM_005548.3(KARS1):c.223-7_223-6dup

Gene: KARS1 (lysyl-tRNA synthetase 1; minus strand). Cytogenetic location: 16q23.1.
Variant type: Duplication.
Coding change: c.223-7_223-6dup on transcript NM_005548.3 (MANE Select); 7 bases into the intron before coding-DNA position 223 through 6 bases into the intron before coding-DNA position 223, 2 bases duplicated (TT; older notation c.223-7_223-6dupTT).
Molecular consequence: intron variant.
Genome position (GRCh38, 1-based): chr16:75,640,355-75,640,356, AA duplicated on the plus strand (TT on the coding strand, the reverse complement: KARS1 is on the minus strand); duplicating any 2 consecutive bases within chr16:75,640,355-75,640,372 gives the same sequence; the c. name uses the placement nearest the transcript's 3' end. VCF-style (leftmost placement, unchanged base first): chr16-75640354-T-TAA. GRCh37 (hg19) VCF-style: chr16-75674252-T-TAA.
Other names: c.307-7_307-6dupTT (NM_001130089.1); c.307-7_307-6dup (NM_001130089.2); c.-246-7_-246-6dup (NM_001378148.1).
Identifiers: ClinVar variation 719779 (VCV000719779.28), dbSNP rs370077957, ClinGen allele CA8177697.